The following is an entry in ClinVar:

NM_001366385.1(CARD14):c.2527G>A (p.Glu843Lys)

Genes: SGSH (N-sulfoglucosamine sulfohydrolase; minus strand), CARD14 (caspase recruitment domain family member 14; plus strand), LOC126862662 (MED14-independent group 3 enhancer GRCh37_chr17:78178385-78179584; plus strand). Cytogenetic location: 17q25.3.
Variant type: single nucleotide variant.
Coding change: c.2527G>A on transcript NM_001366385.1 (MANE Select); coding-DNA position 2527, G replaced by A.
Protein change: p.Glu843Lys; replaces glutamic acid 843 with lysine.
Molecular consequence: missense variant. On other transcripts: non-coding transcript variant (1).
Genome position (GRCh38, 1-based): chr17:80,205,163, G>A. VCF-style: chr17-80205163-G-A. GRCh37 (hg19) VCF-style: chr17-78178962-G-A.
Other names: c.2527G>A (NM_024110.3); c.2527G>A, p.Glu843Lys (NM_024110.4); short protein forms E843K.
Identifiers: ClinVar variation 642022 (VCV000642022.10), dbSNP rs768044758, ClinGen allele CA8817353.

ClinVar aggregate classification (germline): Uncertain significance. Review status: criteria provided, multiple submitters, no conflicts (2 of 4 stars). 2 submissions from 2 submitters: Uncertain significance (2). Last evaluated 2025-12-22.

Conditions:
Inborn genetic diseases. Identifiers: MedGen C0950123, MeSH D030342.
Pityriasis rubra pilaris (PRP). Also called: Pityriasis rubra pilaris--familial type. Identifiers: Orphanet 2897, MedGen C0032027, MONDO:0100017, OMIM 173200, MONDO:0008251.
Psoriasis 2. Identifiers: MedGen C1864497, MONDO:0011269, OMIM 602723.

Allele frequency attached by ClinVar (database versions not stated): gnomAD 0.00001; gnomAD exomes 0.00001 and 0.00002; TOPMed 0.00002; ExAC 0.00003.
gnomAD v4.1: 21 of 1,613,642 alleles (0.0013%); highest among the groups gnomAD compares: Admixed American, 0.01%; no homozygotes.

Submissions (2):

Labcorp Genetics (formerly Invitae), Labcorp
Classification: Uncertain significance for Pityriasis rubra pilaris; Psoriasis 2. Last evaluated: 2025-12-22. Review status: criteria provided, single submitter. Criteria: Invitae Variant Classification Sherloc (09022015). Collection method: clinical testing. Allele origin: germline.
Comment: This sequence change replaces glutamic acid, which is acidic and polar, with lysine, which is basic and polar, at codon 843 of the CARD14 protein (p.Glu843Lys). This variant is present in population databases (rs768044758, gnomAD 0.01%). This variant has not been reported in the literature in individuals affected with CARD14-related conditions. ClinVar contains an entry for this variant (Variation ID: 642022). Invitae Evidence Modeling of protein sequence and biophysical properties (such as structural, functional, and spatial information, amino acid conservation, physicochemical variation, residue mobility, and thermodynamic stability) indicates that this missense variant is not expected to disrupt CARD14 protein function with a negative predictive value of 95%. In summary, the available evidence is currently insufficient to determine the role of this variant in disease. Therefore, it has been classified as a Variant of Uncertain Significance.

Ambry Genetics
Classification: Uncertain significance for Inborn genetic diseases. Last evaluated: 2021-07-09. Review status: criteria provided, single submitter. Criteria: Ambry Variant Classification Scheme 2023. Collection method: clinical testing. Allele origin: germline.